The following is an entry in ClinVar:

NM_001365088.1(SLC12A6):c.968C>G (p.Thr323Arg)

Gene: SLC12A6 (solute carrier family 12 member 6; minus strand). Cytogenetic location: 15q14.
Variant type: single nucleotide variant.
Coding change: c.968C>G on transcript NM_001365088.1 (MANE Select); coding-DNA position 968, C replaced by G.
Protein change: p.Thr323Arg; replaces threonine 323 with arginine.
Molecular consequence: missense variant.
Genome position (GRCh38, 1-based): chr15:34,254,498, G>C on the plus strand (C>G on the coding strand, the complement: SLC12A6 is on the minus strand). VCF-style: chr15-34254498-G-C. GRCh37 (hg19) VCF-style: chr15-34546699-G-C.
Other names: c.791C>G, p.Thr264Arg (NM_001042494.2, NM_001042495.2); c.941C>G, p.Thr314Arg (NM_001042496.2); c.923C>G, p.Thr308Arg (NM_001042497.2); c.815C>G, p.Thr272Arg (NM_005135.2); c.968C>G, p.Thr323Arg (NM_133647.2); short protein forms T272R, T308R, T264R, T323R, T314R.
Identifiers: ClinVar variation 1387051 (VCV001387051.9), dbSNP rs2140719549, ClinGen allele CA391609300.

ClinVar aggregate classification (germline): Uncertain significance (1 of 4 stars; one submission).

Submission:

Labcorp Genetics (formerly Invitae), Labcorp
Classification: Uncertain significance. Last evaluated: 2022-08-16. Review status: criteria provided, single submitter. Criteria: Invitae Variant Classification Sherloc (09022015). Collection method: clinical testing. Allele origin: germline.
Comment: Algorithms developed to predict the effect of sequence changes on RNA splicing suggest that this variant may create or strengthen a splice site. Algorithms developed to predict the effect of missense changes on protein structure and function are either unavailable or do not agree on the potential impact of this missense change (SIFT: "Deleterious"; PolyPhen-2: "Possibly Damaging"; Align-GVGD: "Class C15"). ClinVar contains an entry for this variant (Variation ID: 1387051). This variant has not been reported in the literature in individuals affected with SLC12A6-related conditions. This variant is not present in population databases (gnomAD no frequency). This sequence change replaces threonine, which is neutral and polar, with arginine, which is basic and polar, at codon 323 of the SLC12A6 protein (p.Thr323Arg). In summary, the available evidence is currently insufficient to determine the role of this variant in disease. Therefore, it has been classified as a Variant of Uncertain Significance.